The following is an entry in ClinVar:

ClinVar aggregate classification (germline): Conflicting classifications of pathogenicity. Review status: criteria provided, conflicting classifications (1 of 4 stars). 3 submissions from 3 submitters: Uncertain significance (1); Benign (1). 1 of the submissions does not count toward it. Last evaluated 2025-12-19.

Conditions:
SCN3A-related disorder. Also called: SCN3A-related condition.

Allele frequency attached by ClinVar (database versions not stated): TOPMed 0.00068; 1000 Genomes Project 30x 0.00031; 1000 Genomes Project 0.00040; gnomAD 0.00046 and 0.00053; ESP Exome Variant Server 0.00054.
gnomAD v4.1: 159 of 1,613,908 alleles (0.0099%); highest among the groups gnomAD compares: African/African-American, 0.18%; no homozygotes.

Submissions (3):

Labcorp Genetics (formerly Invitae), Labcorp
Classification: Benign. Last evaluated: 2025-12-19. Review status: criteria provided, single submitter. Criteria: Invitae Variant Classification Sherloc (09022015). Collection method: clinical testing. Allele origin: germline.

Eurofins Ntd Llc (ga)
Classification: Uncertain significance. Last evaluated: 2015-07-30. Review status: criteria provided, single submitter. Criteria: EGL Classification Definitions 2015. Collection method: clinical testing. Allele origin: germline. Observed: 1 variant allele, 1 heterozygote.

PreventionGenetics, part of Exact Sciences
Classification: Likely benign for SCN3A-related condition. Last evaluated: 2024-02-12. Review status: no assertion criteria provided. Collection method: clinical testing. Allele origin: germline. Not counted in ClinVar's aggregate classification.
Comment: This variant is classified as likely benign based on ACMG/AMP sequence variant interpretation guidelines (Richards et al. 2015 PMID: 25741868, with internal and published modifications).

NM_006922.4(SCN3A):c.1381-4A>G

Gene: SCN3A (sodium voltage-gated channel alpha subunit 3; minus strand). Cytogenetic location: 2q24.3.
Variant type: single nucleotide variant.
Coding change: c.1381-4A>G on transcript NM_006922.4 (MANE Select); 4 bases into the intron before coding-DNA position 1381, A replaced by G.
Molecular consequence: intron variant.
Genome position (GRCh38, 1-based): chr2:165,147,033, T>C on the plus strand (A>G on the coding strand, the complement: SCN3A is on the minus strand). VCF-style: chr2-165147033-T-C. GRCh37 (hg19) VCF-style: chr2-166003543-T-C.
Other names: c.1381-4A>G (NM_001081676.2, NM_001081677.2).
Identifiers: ClinVar variation 282139 (VCV000282139.18), dbSNP rs199597878, ClinGen allele CA1939166.
Genomic context (GRCh38, chr2:165,147,033, plus strand): 5'-TCCTAACCCACCTATTCCACTGAAATCTCTTGAAGCAGCTGATGCTGCCGCAACTGCCTG[T>C]CATAAAACAAAGCCAGGCACTATTTAGAACACAGAGCTTTGAAAACAGTTGAGTATGGTT-3'